The following is an entry in ClinVar:

ClinVar aggregate classification (germline): Uncertain significance. Review status: criteria provided, multiple submitters, no conflicts (2 of 4 stars). 2 submissions from 2 submitters: Uncertain significance (2). Last evaluated 2026-02-16.

Conditions:
BAP1-related tumor predisposition syndrome (TPDS1). Also called: Tumor susceptibility linked to germline BAP1 mutations; COMMON Syndrome; TUMOR PREDISPOSITION SYNDROME 1; BAP1 tumor predisposition syndrome. Identifiers: Orphanet 289539, MedGen C3280492, MONDO:0013692, OMIM 614327.
Hereditary cancer-predisposing syndrome. Also called: Tumor predisposition; Hereditary Cancer Syndrome; Hereditary neoplastic syndrome; Neoplastic Syndromes, Hereditary. Identifiers: Orphanet 140162, MedGen C0027672, MeSH D009386, MONDO:0015356.

Submissions (2):

Ambry Genetics
Classification: Uncertain significance for Hereditary cancer-predisposing syndrome. Last evaluated: 2026-02-16. Review status: criteria provided, single submitter. Criteria: Ambry Variant Classification Scheme 2023. Collection method: clinical testing. Allele origin: germline.
Comment: The p.S126N variant (also known as c.377G>A), located in coding exon 6 of the BAP1 gene, results from a G to A substitution at nucleotide position 377. The serine at codon 126 is replaced by asparagine, an amino acid with highly similar properties. This amino acid position is conserved. In addition, this alteration is predicted to be tolerated by in silico analysis. Based on the available evidence, the clinical significance of this variant remains unclear.

Labcorp Genetics (formerly Invitae), Labcorp
Classification: Uncertain significance for BAP1-related tumor predisposition syndrome. Last evaluated: 2023-07-08. Review status: criteria provided, single submitter. Criteria: Invitae Variant Classification Sherloc (09022015). Collection method: clinical testing. Allele origin: germline.
Comment: This sequence change replaces serine, which is neutral and polar, with asparagine, which is neutral and polar, at codon 126 of the BAP1 protein (p.Ser126Asn). This variant is not present in population databases (gnomAD no frequency). This variant has not been reported in the literature in individuals affected with BAP1-related conditions. An algorithm developed to predict the effect of missense changes on protein structure and function (PolyPhen-2) suggests that this variant is likely to be tolerated. In summary, the available evidence is currently insufficient to determine the role of this variant in disease. Therefore, it has been classified as a Variant of Uncertain Significance.

NM_004656.4(BAP1):c.377G>A (p.Ser126Asn)

Gene: BAP1 (BRCA1 associated deubiquitinase 1; minus strand). Cytogenetic location: 3p21.1.
Variant type: single nucleotide variant.
Coding change: c.377G>A on transcript NM_004656.4 (MANE Select); coding-DNA position 377, G replaced by A.
Protein change: p.Ser126Asn; replaces serine 126 with asparagine.
Molecular consequence: missense variant.
Genome position (GRCh38, 1-based): chr3:52,407,459, C>T on the plus strand (G>A on the coding strand, the complement: BAP1 is on the minus strand). VCF-style: chr3-52407459-C-T. GRCh37 (hg19) VCF-style: chr3-52441475-C-T.
Other names: c.377G>A, p.Ser126Asn (NM_001410772.1); short protein forms S126N.
Identifiers: ClinVar variation 2738981 (VCV002738981.4), dbSNP rs2153227976, ClinGen allele CA353111354.
Genomic context (GRCh38, chr3:52,407,459, plus strand): 5'-CTGGCATGGCTATTATGGGCCTTGGCCAACTCCGGGGCATTGCCAATCGCATATCCTTTG[C>T]TCTACGGGGAAGAAAATAAGGCCGTATCAGAATAATTTCTCCTCAGGTAGGACTATGGGT-3'
Protein context (NP_004647.1, residues 116-136): KDFTKGFSPE[Ser126Asn]KGYAIGNAPE